The following is an entry in ClinVar:

ClinVar aggregate classification (germline): Conflicting classifications of pathogenicity. Review status: no assertion criteria provided (0 of 4 stars). 3 submissions from 3 submitters: Pathogenic (2); Uncertain significance (1). Last evaluated 2024-02-15.

Conditions:
GLRA1-related disorder. Also called: GLRA1-related condition.
Hyperekplexia 1 (STHE). Also called: HYPEREKPLEXIA 1, AUTOSOMAL DOMINANT; HYPEREKPLEXIA 1, AUTOSOMAL RECESSIVE; STARTLE DISEASE, FAMILIAL; STIFF-BABY SYNDROME; STIFF-MAN SYNDROME, CONGENITAL; STIFF-PERSON SYNDROME, CONGENITAL. Identifiers: Orphanet 3197, MedGen C4551954, MONDO:0007868, OMIM 149400.

Submissions (3):

PreventionGenetics, part of Exact Sciences
Classification: Uncertain significance for GLRA1-related condition. Last evaluated: 2024-02-15. Review status: no assertion criteria provided. Collection method: clinical testing. Allele origin: germline.
Comment: The GLRA1 c.862G>A variant is predicted to result in the amino acid substitution p.Val288Met. This variant has been reported in an individual with hyperekplexia; the variant was inherited from the individual's father, though the only phenotype noted in the father was an exaggerated startle response (del Giudice et al. 2001. PubMed ID: 11781706). This variant has not been reported in a large population database, indicating this variant is rare. At this time, the clinical significance of this variant is uncertain due to the absence of conclusive functional and genetic evidence.

GeneReviews
Classification: Pathogenic for Hyperekplexia. Last evaluated: 2012-10-04. Review status: no assertion criteria provided. Collection method: curation. Allele origin: unknown.
ClinVar note: Converted during submission from pathologic to Pathogenic.

OMIM
Classification: Pathogenic for HYPEREKPLEXIA 1, AUTOSOMAL DOMINANT. Last evaluated: 2001-11-01. Review status: no assertion criteria provided. Collection method: literature only. Allele origin: germline.

Literature cited by the submitters: PubMed 11781706 (cited by OMIM).

NM_000171.4(GLRA1):c.862G>A (p.Val288Met)

Gene: GLRA1 (glycine receptor alpha 1; minus strand). Cytogenetic location: 5q33.1.
Variant type: single nucleotide variant.
Coding change: c.862G>A on transcript NM_000171.4 (MANE Select); coding-DNA position 862, G replaced by A.
Protein change: p.Val288Met; replaces valine 288 with methionine.
Molecular consequence: missense variant.
Genome position (GRCh38, 1-based): chr5:151,851,440, C>T on the plus strand (G>A on the coding strand, the complement: GLRA1 is on the minus strand). VCF-style: chr5-151851440-C-T. GRCh37 (hg19) VCF-style: chr5-151231001-C-T.
Other names: V260M; G1158A; c.862G>A, p.Val288Met (NM_001146040.2); c.613G>A, p.Val205Met (NM_001292000.2); short protein forms V288M, V205M.
Identifiers: ClinVar variation 16070 (VCV000016070.5), dbSNP rs121918416, ClinGen allele CA341374.
Genomic context (GRCh38, chr5:151,851,440, plus strand): 5'-TGGGACTTACCTTGGGCAGAGATGCTCGAGAGCCGGAGCTCTGGGTGGTCATGGTGAGCA[C>T]AGTGGTGATGCCTAGGCCCACACGAGCAGGTGCAGCATCCATGTTGATCCAGAAGGAGAT-3'
Protein context (NP_000162.2, residues 278-298): PARVGLGITT[Val288Met]LTMTTQSSGS